The following is an entry in ClinVar:

NM_001134407.3(GRIN2A):c.3862C>T (p.Arg1288Cys)

Gene: GRIN2A (glutamate ionotropic receptor NMDA type subunit 2A; minus strand). Cytogenetic location: 16p13.2.
Variant type: single nucleotide variant.
Coding change: c.3862C>T on transcript NM_001134407.3 (MANE Select); coding-DNA position 3862, C replaced by T.
Protein change: p.Arg1288Cys; replaces arginine 1288 with cysteine.
Molecular consequence: missense variant. On other transcripts: intron variant (1).
Genome position (GRCh38, 1-based): chr16:9,763,682, G>A on the plus strand (C>T on the coding strand, the complement: GRIN2A is on the minus strand). VCF-style: chr16-9763682-G-A. GRCh37 (hg19) VCF-style: chr16-9857539-G-A.
Other names: c.3862C>T, p.Arg1288Cys (NM_000833.5); c.3772+90C>T (NM_001134408.2); short protein forms R1288C.
Identifiers: ClinVar variation 3365013 (VCV003365013.1).

ClinVar aggregate classification (germline): Uncertain significance (1 of 4 stars; one submission).

gnomAD v4.1: 3 of 1,613,840 alleles (0.00019%); highest among the groups gnomAD compares: Non-Finnish European, 0.00025%; no homozygotes.

Submission:

GeneDx
Classification: Uncertain significance. Last evaluated: 2023-12-02. Review status: criteria provided, single submitter. Criteria: GeneDx Variant Classification Process June 2021. Collection method: clinical testing. Allele origin: germline. Affected: yes.
Comment: Not observed at significant frequency in large population cohorts (gnomAD); In silico analysis supports that this missense variant has a deleterious effect on protein structure/function; Has not been previously published as pathogenic or benign to our knowledge